The following is an entry in ClinVar:

NM_004369.4(COL6A3):c.5879C>T (p.Ala1960Val)

Gene: COL6A3 (collagen type VI alpha 3 chain; minus strand). Cytogenetic location: 2q37.3.
Variant type: single nucleotide variant.
Coding change: c.5879C>T on transcript NM_004369.4 (MANE Select); coding-DNA position 5879, C replaced by T.
Protein change: p.Ala1960Val; replaces alanine 1960 with valine.
Molecular consequence: missense variant.
Genome position (GRCh38, 1-based): chr2:237,364,388, G>A on the plus strand (C>T on the coding strand, the complement: COL6A3 is on the minus strand). VCF-style: chr2-237364388-G-A. GRCh37 (hg19) VCF-style: chr2-238273031-G-A.
Other names: c.4058C>T, p.Ala1353Val (NM_057166.5); c.5261C>T, p.Ala1754Val (NM_057167.4); short protein forms A1754V, A1353V, A1960V.
Identifiers: ClinVar variation 2041631 (VCV002041631.6), dbSNP rs371215375, ClinGen allele CA2188545.

ClinVar aggregate classification (germline): Conflicting classifications of pathogenicity. Review status: criteria provided, conflicting classifications (1 of 4 stars). 3 submissions from 3 submitters: Uncertain significance (2); Benign (1). Last evaluated 2024-04-26.

Conditions:
Inborn genetic diseases. Identifiers: MedGen C0950123, MeSH D030342.
Bethlem myopathy 1A. Also called: MYOPATHY, BENIGN CONGENITAL, WITH CONTRACTURES; Bethlem Muscular Dystrophy; Bethlem myopathy 1. Identifiers: Orphanet 610, MedGen CN029274, MONDO:0024530, OMIM 158810.

Allele frequency attached by ClinVar (database versions not stated): gnomAD exomes 0.00001; ExAC 0.00002; gnomAD 0.00006; TOPMed 0.00009; ESP Exome Variant Server 0.00015; 1000 Genomes Project 0.00020; 1000 Genomes Project 30x 0.00031.
gnomAD v4.1: 18 of 1,614,010 alleles (0.0011%); highest among the groups gnomAD compares: African/African-American, 0.024%; no homozygotes.

Submissions (3):

Labcorp Genetics (formerly Invitae), Labcorp
Classification: Benign for Bethlem myopathy 1A. Last evaluated: 2024-04-26. Review status: criteria provided, single submitter. Criteria: Invitae Variant Classification Sherloc (09022015). Collection method: clinical testing. Allele origin: germline.

GeneDx
Classification: Uncertain significance. Last evaluated: 2022-12-23. Review status: criteria provided, single submitter. Criteria: GeneDx Variant Classification Process June 2021. Collection method: clinical testing. Allele origin: germline. Affected: yes.
Comment: In silico analysis supports that this missense variant does not alter protein structure/function; Has not been previously published as pathogenic or benign to our knowledge

Ambry Genetics
Classification: Uncertain significance for Inborn genetic diseases. Last evaluated: 2021-11-08. Review status: criteria provided, single submitter. Criteria: Ambry Variant Classification Scheme 2023. Collection method: clinical testing. Allele origin: germline.